The following is an entry in ClinVar:

NM_014319.5(LEMD3):c.1330C>G (p.Pro444Ala)

Gene: LEMD3 (LEM domain containing 3; plus strand). Cytogenetic location: 12q14.3.
Variant type: single nucleotide variant.
Coding change: c.1330C>G on transcript NM_014319.5 (MANE Select); coding-DNA position 1330, C replaced by G.
Protein change: p.Pro444Ala; replaces proline 444 with alanine.
Molecular consequence: missense variant.
Genome position (GRCh38, 1-based): chr12:65,170,926, C>G. VCF-style: chr12-65170926-C-G. GRCh37 (hg19) VCF-style: chr12-65564706-C-G.
Other names: c.1330C>G, p.Pro444Ala (NM_001167614.2); short protein forms P444A.
Identifiers: ClinVar variation 597731 (VCV000597731.21), dbSNP rs144127577, ClinGen allele CA6670887.

ClinVar aggregate classification (germline): Conflicting classifications of pathogenicity. Review status: criteria provided, conflicting classifications (1 of 4 stars). 6 submissions from 6 submitters: Uncertain significance (2); Likely benign (3). 1 of the submissions does not count toward it. Last evaluated 2026-01-28.

Conditions:
Dermatofibrosis lenticularis disseminata (BOS). Also called: DERMATOFIBROSIS LENTICULARIS DISSEMINATA WITH OSTEOPOIKILOSIS; DERMATOOSTEOPOIKILOSIS; OSTEOPATHIA CONDENSANS DISSEMINATA. Identifiers: Orphanet 1306, MedGen C0265514, MONDO:0008157, OMIM 166700.
LEMD3-related disorder. Also called: LEMD3-related condition.
Inborn genetic diseases. Identifiers: MedGen C0950123, MeSH D030342.

Allele frequency attached by ClinVar (database versions not stated): ESP Exome Variant Server 0.00031; 1000 Genomes Project 30x 0.00016; 1000 Genomes Project 0.00020; gnomAD 0.00027; TOPMed 0.00029; gnomAD exomes 0.00032 and 0.00058; ExAC 0.00034.
gnomAD v4.1: 876 of 1,614,198 alleles (0.054%); highest among the groups gnomAD compares: Non-Finnish European, 0.063%; 1 homozygote.

Submissions (6):

Labcorp Genetics (formerly Invitae), Labcorp
Classification: Likely benign. Last evaluated: 2026-01-28. Review status: criteria provided, single submitter. Criteria: Invitae Variant Classification Sherloc (09022015). Collection method: clinical testing. Allele origin: germline.

Blueprint Genetics
Classification: Likely benign. Last evaluated: 2024-02-12. Review status: criteria provided, single submitter. Criteria: ACMG Guidelines, 2015. Collection method: clinical testing. Allele origin: germline.

Ambry Genetics
Classification: Uncertain significance for Inborn genetic diseases. Last evaluated: 2022-04-13. Review status: criteria provided, single submitter. Criteria: Ambry Variant Classification Scheme 2023. Collection method: clinical testing. Allele origin: germline.

Eurofins Ntd Llc (ga)
Classification: Uncertain significance. Last evaluated: 2018-07-03. Review status: criteria provided, single submitter. Criteria: EGL ClinVar v180209 classification definitions. Collection method: clinical testing. Allele origin: germline. Observed: 1 variant allele, 1 heterozygote.

Illumina Laboratory Services, Illumina
Classification: Likely benign for Dermatofibrosis lenticularis disseminata. Last evaluated: 2018-01-12. Review status: criteria provided, single submitter. Criteria: ICSL Variant Classification Criteria 13 December 2019. Collection method: clinical testing. Allele origin: germline.
Comment: This variant was observed in the ICSL laboratory as part of a predisposition screen in an ostensibly healthy population. It had not been previously curated by ICSL or reported in the Human Gene Mutation Database (HGMD: prior to June 1st, 2018), and was therefore a candidate for classification through an automated scoring system. Utilizing variant allele frequency, disease prevalence and penetrance estimates, and inheritance mode, an automated score was calculated to assess if this variant is too frequent to cause the disease. Based on the score and internal cut-off values, a variant classified as likely benign is not then subjected to further curation. The score for this variant resulted in a classification of likely benign for this disease.

PreventionGenetics, part of Exact Sciences
Classification: Likely benign for LEMD3-related condition. Last evaluated: 2020-01-07. Review status: no assertion criteria provided. Collection method: clinical testing. Allele origin: germline. Not counted in ClinVar's aggregate classification.
Comment: This variant is classified as likely benign based on ACMG/AMP sequence variant interpretation guidelines (Richards et al. 2015 PMID: 25741868, with internal and published modifications).